The following is an entry in ClinVar:

ClinVar aggregate classification (germline): Uncertain significance (1 of 4 stars; one submission).

Conditions:
Inborn genetic diseases. Identifiers: MedGen C0950123, MeSH D030342.

Submission:

Ambry Genetics
Classification: Uncertain significance for Inborn genetic diseases. Last evaluated: 2024-12-14. Review status: criteria provided, single submitter. Criteria: Ambry Variant Classification Scheme 2023. Collection method: clinical testing. Allele origin: germline.
Comment: The p.K1005E variant (also known as c.3013A>G), located in coding exon 30 of the RTEL1 gene, results from an A to G substitution at nucleotide position 3013. The lysine at codon 1005 is replaced by glutamic acid, an amino acid with similar properties. This amino acid position is conserved. In addition, the in silico prediction for this alteration is inconclusive. Based on the available evidence, the clinical significance of this variant remains unclear.

NM_001283009.2(RTEL1):c.3013A>G (p.Lys1005Glu)

Genes: RTEL1 (regulator of telomere elongation helicase 1; plus strand), RTEL1-TNFRSF6B (RTEL1-TNFRSF6B readthrough (NMD candidate); plus strand). Cytogenetic location: 20q13.33.
Variant type: single nucleotide variant.
Coding change: c.3013A>G on transcript NM_001283009.2 (MANE Select); coding-DNA position 3013, A replaced by G.
Protein change: p.Lys1005Glu; replaces lysine 1005 with glutamic acid.
Molecular consequence: missense variant. On other transcripts: non-coding transcript variant (1).
Genome position (GRCh38, 1-based): chr20:63,694,392, A>G. VCF-style: chr20-63694392-A-G. GRCh37 (hg19) VCF-style: chr20-62325745-A-G.
Other names: c.2344A>G, p.Lys782Glu (NM_001283010.1); c.3013A>G, p.Lys1005Glu (NM_016434.4); c.3085A>G, p.Lys1029Glu (NM_032957.5); short protein forms K782E, K1005E, K1029E.
Identifiers: ClinVar variation 3790965 (VCV003790965.1).